The following is an entry in ClinVar:

ClinVar aggregate classification (germline): Conflicting classifications of pathogenicity. Review status: criteria provided, conflicting classifications (1 of 4 stars). 2 submissions from 2 submitters: Uncertain significance (1); Likely benign (1). Last evaluated 2024-08-30.

Conditions:
Hereditary breast ovarian cancer syndrome. Also called: Hereditary breast and ovarian cancer; Hereditary breast and ovarian cancer syndrome (HBOC); Breast and ovarian cancer; Hereditary breast and/or ovarian cancer syndrome; BRCA1- and BRCA2-Associated Hereditary Breast and Ovarian Cancer; Hereditary breast and ovarian cancer syndrome. Identifiers: Orphanet 145, MedGen C0677776, MeSH D061325, MONDO:0003582. Disease mechanism: loss of function.
Hereditary cancer-predisposing syndrome. Also called: Neoplastic Syndromes, Hereditary; Tumor predisposition; Hereditary Cancer Syndrome; Hereditary neoplastic syndrome. Identifiers: Orphanet 140162, MedGen C0027672, MeSH D009386, MONDO:0015356.

Submissions (3):

Ambry Genetics
Classification: Uncertain significance for Hereditary cancer-predisposing syndrome. Last evaluated: 2024-08-30. Review status: criteria provided, single submitter. Criteria: Ambry Variant Classification Scheme 2023. Collection method: clinical testing. Allele origin: germline.
Comment: The c.5333-3T>C intronic variant results from a T to C substitution 3 nucleotides upstream from coding exon 20 in the BRCA1 gene. This nucleotide position is well conserved in available vertebrate species. In silico splice site analysis predicts that this alteration will not have any significant effect on splicing. Based on the available evidence, the clinical significance of this variant remains unclear.

Labcorp Genetics (formerly Invitae), Labcorp
Classification: Likely benign for Hereditary breast ovarian cancer syndrome. Last evaluated: 2024-08-05. Review status: criteria provided, single submitter. Criteria: Invitae Variant Classification Sherloc (09022015). Collection method: clinical testing. Allele origin: germline.

Brotman Baty Institute, University of Washington
No classification provided (evidence only). Condition: Breast-ovarian cancer, familial 1. Review status: no classification provided. Collection method: in vitro. Allele origin: not applicable. Functional consequence: functionally_normal. Not counted in ClinVar's aggregate classification.
ClinVar note: "not provided" was previously submitted as the classification for the variant. However, the classification appeared to be based only on an observation of functional data so it was converted to no classification on 2025-07-30.

NM_007294.4(BRCA1):c.5333-3T>C

Gene: BRCA1 (BRCA1 DNA repair associated; minus strand). Cytogenetic location: 17q21.31.
Variant type: single nucleotide variant.
Coding change: c.5333-3T>C on transcript NM_007294.4 (MANE Select); 3 bases into the intron before coding-DNA position 5333, T replaced by C.
Molecular consequence: intron variant.
Genome position (GRCh38, 1-based): chr17:43,049,197, A>G on the plus strand (T>C on the coding strand, the complement: BRCA1 is on the minus strand). VCF-style: chr17-43049197-A-G. GRCh37 (hg19) VCF-style: chr17-41201214-A-G.
Other names: c.1880-3T>C (NM_001408458.1, NM_001408461.1, NM_001408464.1 and 7 more transcripts); c.4442-3T>C (NM_001407967.1); c.4952-3T>C (NM_001407959.1); c.5066-3T>C (NM_001407931.1, NM_001407932.1, NM_001407928.1 and 4 more transcripts); c.5189-3T>C (NM_001407747.1, NM_001407745.1, NM_001407737.1 and 18 more transcripts); c.4949-3T>C (NM_001407962.1, NM_001407960.1); c.1520-3T>C (NM_001408512.1); c.1643-3T>C (NM_001408510.1); and 84 more.
Identifiers: ClinVar variation 868345 (VCV000868345.13), dbSNP rs397509265, ClinGen allele CA916080883.